The following is an entry in ClinVar:

NC_000009.12:g.35657777G>C

Gene: RMRP (RNA component of mitochondrial RNA processing endoribonuclease; minus strand). Cytogenetic location: 9p13.3.
Variant type: single nucleotide variant.
Genome position: GRCh38 VCF-style: chr9-35657777-G-C. GRCh37 (hg19) VCF-style: chr9-35657774-G-C.
Identifiers: ClinVar variation 2201316 (VCV002201316.1), dbSNP rs912498335, ClinGen allele CA192745544.

ClinVar aggregate classification (germline): Uncertain significance (1 of 4 stars; one submission).

Conditions:
Anauxetic dysplasia. Identifiers: Orphanet 93347, MedGen C1846796, MONDO:0011773.

gnomAD v4.1: 10 of 696,848 alleles (0.0014%); highest among the groups gnomAD compares: Non-Finnish European, 0.0021%; no homozygotes.

Submission:

Labcorp Genetics (formerly Invitae), Labcorp
Classification: Uncertain significance for Anauxetic dysplasia. Last evaluated: 2020-11-25. Review status: criteria provided, single submitter. Criteria: Invitae Variant Classification Sherloc (09022015). Collection method: clinical testing. Allele origin: germline.
Comment: This variant occurs in the RMRP gene, which encodes an RNA molecule that does not result in a protein product. The frequency data for this variant in the population databases is considered unreliable, as metrics indicate insufficient coverage at this position in the ExAC database. This variant has not been reported in the literature in individuals with RMRP-related conditions. Experimental studies and prediction algorithms are not available or were not evaluated, and the functional significance of this variant is currently unknown. In summary, the available evidence is currently insufficient to determine the role of this variant in disease. Therefore, it has been classified as a Variant of Uncertain Significance.